The following is an entry in ClinVar:

NM_000257.4(MYH7):c.3637G>A (p.Val1213Met)

Gene: MYH7 (myosin heavy chain 7; minus strand). Cytogenetic location: 14q11.2.
Variant type: single nucleotide variant.
Coding change: c.3637G>A on transcript NM_000257.4 (MANE Select); coding-DNA position 3637, G replaced by A.
Protein change: p.Val1213Met; replaces valine 1213 with methionine.
Molecular consequence: missense variant.
Genome position (GRCh38, 1-based): chr14:23,419,934, C>T on the plus strand (G>A on the coding strand, the complement: MYH7 is on the minus strand). VCF-style: chr14-23419934-C-T. GRCh37 (hg19) VCF-style: chr14-23889143-C-T.
Other names: p.V1213M:GTG>ATG; short protein forms V1213M.
Identifiers: ClinVar variation 42958 (VCV000042958.25), dbSNP rs397516182, ClinGen allele CA013913.

ClinVar aggregate classification (germline): Conflicting classifications of pathogenicity. Review status: criteria provided, conflicting classifications (1 of 4 stars). 9 submissions from 9 submitters: Uncertain significance (8); Likely benign (1). Last evaluated 2025-09-28.

Conditions:
Cardiovascular phenotype. Identifiers: MedGen CN230736.
Cardiomyopathy (CMYO). Also called: Cardiomyopathies. Identifiers: Orphanet 167848, MedGen C0878544, MONDO:0004994, HP:0001638. Inheritance: Various modes of inheritance.
Hypertrophic cardiomyopathy. Also called: HYPERTROPHIC MYOCARDIOPATHY. Identifiers: Orphanet 217569, MedGen C0007194, MeSH D002312, MONDO:0005045, HP:0001639.

Allele frequency attached by ClinVar (database versions not stated): gnomAD 0.00002; gnomAD exomes 0.00002 and 0.00006; TOPMed 0.00005; ExAC 0.00008.
gnomAD v4.1: 32 of 1,611,792 alleles (0.002%); highest among the groups gnomAD compares: Admixed American, 0.012%; no homozygotes.

Submissions (9):

Labcorp Genetics (formerly Invitae), Labcorp
Classification: Uncertain significance for Hypertrophic cardiomyopathy. Last evaluated: 2025-09-28. Review status: criteria provided, single submitter. Criteria: Invitae Variant Classification Sherloc (09022015). Collection method: clinical testing. Allele origin: germline.
Comment: This sequence change replaces valine, which is neutral and non-polar, with methionine, which is neutral and non-polar, at codon 1213 of the MYH7 protein (p.Val1213Met). This variant is present in population databases (rs397516182, gnomAD 0.01%). This missense change has been observed in individual(s) with hypertrophic cardiomyopathy (PMID: 27247418, 27532257, 29875424, 31513939, 37466024). ClinVar contains an entry for this variant (Variation ID: 42958). Invitae Evidence Modeling of protein sequence and biophysical properties (such as structural, functional, and spatial information, amino acid conservation, physicochemical variation, residue mobility, and thermodynamic stability) indicates that this missense variant is expected to disrupt MYH7 protein function with a positive predictive value of 95%. In summary, the available evidence is currently insufficient to determine the role of this variant in disease. Therefore, it has been classified as a Variant of Uncertain Significance.

Blueprint Genetics
Classification: Uncertain significance. Last evaluated: 2024-03-05. Review status: criteria provided, single submitter. Criteria: ACMG Guidelines, 2015. Collection method: clinical testing. Allele origin: germline.

All of Us Research Program, National Institutes of Health
Classification: Uncertain significance for Cardiomyopathy. Last evaluated: 2024-02-05. Review status: criteria provided, single submitter. Criteria: ACMG Guidelines, 2015. Collection method: clinical testing. Allele origin: germline. Inheritance: Autosomal dominant inheritance. Observed: 3 variant alleles, 3 heterozygotes.
Comment: This missense variant replaces valine with methionine at codon 1213 of the MYH7 protein. Computational prediction is inconclusive regarding the impact of this variant on protein structure and function. To our knowledge, functional studies have not been reported for this variant. This variant has been reported in at least three individuals affected with hypertrophic cardiomyopathy (PMID: 27247418, 27532257, 29875424, 31513939). This variant has been identified in 15/282052 chromosomes in the general population by the Genome Aggregation Database (gnomAD). The available evidence is insufficient to determine the role of this variant in disease conclusively. Therefore, this variant is classified as a Variant of Uncertain Significance.

This study involves interpretation of variants in research participants for the purpose of population health screening. Participant phenotype was not available at the time of variant classification. Additional details can be found in publication PMID: 35346344, PMCID: PMC8962531

Color Diagnostics, LLC DBA Color Health
Classification: Uncertain significance for Cardiomyopathy. Last evaluated: 2023-11-08. Review status: criteria provided, single submitter. Criteria: ACMG Guidelines, 2015. Collection method: clinical testing. Allele origin: germline.
Comment: This missense variant replaces valine with methionine at codon 1213 of the MYH7 protein. Computational prediction is inconclusive regarding the impact of this variant on protein structure and function. To our knowledge, functional studies have not been reported for this variant. This variant has been reported in at least three individuals affected with hypertrophic cardiomyopathy (PMID: 27247418, 27532257, 29875424, 31513939). This variant has been identified in 15/282052 chromosomes in the general population by the Genome Aggregation Database (gnomAD). The available evidence is insufficient to determine the role of this variant in disease conclusively. Therefore, this variant is classified as a Variant of Uncertain Significance.

GeneDx
Classification: Uncertain significance. Last evaluated: 2023-04-27. Review status: criteria provided, single submitter. Criteria: GeneDx Variant Classification Process June 2021. Collection method: clinical testing. Allele origin: germline. Affected: yes.
Comment: Reported in individuals with HCM, although no segregation studies were described (Homburger et al., 2016; Walsh et al., 2017; Mazzarotto et al., 2018; Robyns et al., 2020); In silico analysis supports that this missense variant does not alter protein structure/function; This variant is associated with the following publications: (PMID: 29875424, 31513939, 27532257, 27247418, 34542152, Farne2021[article])

Ambry Genetics
Classification: Likely benign for Cardiovascular phenotype. Last evaluated: 2023-03-28. Review status: criteria provided, single submitter. Criteria: Ambry Variant Classification Scheme 2023. Collection method: clinical testing. Allele origin: germline.

Center for Human Genetics, University of Leuven
Classification: Uncertain significance for Hypertrophic cardiomyopathy. Last evaluated: 2018-10-31. Review status: criteria provided, single submitter. Criteria: ACMG Guidelines, 2015. Collection method: clinical testing. Allele origin: germline. Affected: yes.

Laboratory for Molecular Medicine, Mass General Brigham Personalized Medicine
Classification: Uncertain significance. Last evaluated: 2017-11-02. Review status: criteria provided, single submitter. Criteria: LMM Criteria. Collection method: clinical testing. Allele origin: germline. Observed: 2 variant alleles.
Comment: The p.Val1213Met variant in MYH7 has been reported in at least 2 individuals wit h HCM (Homburger 2016, Walsh 2017). This variant has also been identified in 5/3 4406 Latino chromosomes by the Genome Aggregation Database (gnomAD; dbSNP rs397516182). Computational prediction tools and con servation analysis do not provide strong support for or against an impact to the protein. In summary, the clinical significance of the p.Val1213Met variant is u ncertain. ACMG/AMP Criteria applied: PM2; PS4_Supporting.

Stanford Center for Inherited Cardiovascular Disease, Stanford University
Classification: Uncertain significance. Last evaluated: 2014-07-07. Review status: criteria provided, single submitter. Criteria: ACMG Guidelines, 2015. Collection method: provider interpretation. Allele origin: germline.

Literature cited by the submitters: PubMed 27247418 (cited by 5 submitters); PubMed 27532257 (cited by 5 submitters); PubMed 29875424 (cited by 4 submitters); PubMed 31513939 (cited by 4 submitters); PubMed 37466024 (cited by Labcorp Genetics (formerly Invitae), Labcorp).